The following is an entry in ClinVar:

NM_004859.4(CLTC):c.1019A>G (p.Asn340Ser)

Gene: CLTC (clathrin heavy chain; plus strand). Cytogenetic location: 17q23.1.
Variant type: single nucleotide variant.
Coding change: c.1019A>G on transcript NM_004859.4 (MANE Select); coding-DNA position 1019, A replaced by G.
Protein change: p.Asn340Ser; replaces asparagine 340 with serine.
Molecular consequence: missense variant.
Genome position (GRCh38, 1-based): chr17:59,660,440, A>G. VCF-style: chr17-59660440-A-G. GRCh37 (hg19) VCF-style: chr17-57737801-A-G.
Other names: c.1031A>G, p.Asn344Ser (NM_001288653.2); c.1019A>G (NM_004859.3); short protein forms N344S, N340S.
Identifiers: ClinVar variation 1985964 (VCV001985964.5), dbSNP rs750086173, ClinGen allele CA8681153.
Genomic context (GRCh38, chr17:59,660,440, plus strand): 5'-TTAAATTGCAGGTTCTGTCAGTGTGTGTGGAAGAAGAAAACATAATTCCTTACATCACCA[A>G]TGTTCTACAAAATCCTGATTTGGCTCTGAGAATGGCTGTACGTAATAACTTAGCCGGTGC-3'
Protein context (NP_004850.1, residues 330-350): EEENIIPYIT[Asn340Ser]VLQNPDLALR

ClinVar aggregate classification (germline): Uncertain significance. Review status: criteria provided, multiple submitters, no conflicts (2 of 4 stars). 2 submissions from 2 submitters: Uncertain significance (2). Last evaluated 2025-09-27.

Conditions:
Inborn genetic diseases. Identifiers: MedGen C0950123, MeSH D030342.

Allele frequency attached by ClinVar (database versions not stated): gnomAD 0.00001; ExAC 0.00002.
gnomAD v4.1: 24 of 1,614,012 alleles (0.0015%); highest among the groups gnomAD compares: Middle Eastern, 0.016%; no homozygotes.

Submissions (2):

Labcorp Genetics (formerly Invitae), Labcorp
Classification: Uncertain significance. Last evaluated: 2025-09-27. Review status: criteria provided, single submitter. Criteria: Invitae Variant Classification Sherloc (09022015). Collection method: clinical testing. Allele origin: germline.
Comment: This sequence change replaces asparagine, which is neutral and polar, with serine, which is neutral and polar, at codon 344 of the CLTC protein (p.Asn344Ser). This variant is present in population databases (rs750086173, gnomAD 0.004%). This variant has not been reported in the literature in individuals affected with CLTC-related conditions. ClinVar contains an entry for this variant (Variation ID: 1985964). Invitae Evidence Modeling of protein sequence and biophysical properties (such as structural, functional, and spatial information, amino acid conservation, physicochemical variation, residue mobility, and thermodynamic stability) indicates that this missense variant is not expected to disrupt CLTC protein function with a negative predictive value of 80%. In summary, the available evidence is currently insufficient to determine the role of this variant in disease. Therefore, it has been classified as a Variant of Uncertain Significance.

Ambry Genetics
Classification: Uncertain significance for Inborn genetic diseases. Last evaluated: 2025-02-28. Review status: criteria provided, single submitter. Criteria: Ambry Variant Classification Scheme 2023. Collection method: clinical testing. Allele origin: germline.